The following is an entry in ClinVar:

ClinVar aggregate classification (germline): Likely benign (0 of 4 stars; one submission).

Conditions:
BRSK2-related disorder. Also called: BRSK2-related condition; BRSK2-Related Disorders.

Allele frequency attached by ClinVar (database versions not stated): gnomAD 0.00017; TOPMed 0.00024; ExAC 0.00034; ESP Exome Variant Server 0.00040; gnomAD exomes 0.00047.
gnomAD v4.1: 705 of 1,593,026 alleles (0.044%); highest among the groups gnomAD compares: Non-Finnish European, 0.054%; no homozygotes.

Submission:

PreventionGenetics, part of Exact Sciences
Classification: Likely benign for BRSK2-related condition. Last evaluated: 2021-12-02. Review status: no assertion criteria provided. Collection method: clinical testing. Allele origin: germline.
Comment: This variant is classified as likely benign based on ACMG/AMP sequence variant interpretation guidelines (Richards et al. 2015 PMID: 25741868, with internal and published modifications).

NM_001256627.2(BRSK2):c.1758G>A (p.Pro586=)

Gene: BRSK2 (BR serine/threonine kinase 2; plus strand). Cytogenetic location: 11p15.5.
Variant type: single nucleotide variant.
Coding change: c.1758G>A on transcript NM_001256627.2 (MANE Select); coding-DNA position 1758, G replaced by A.
Protein change: p.Pro586=; no amino-acid change (proline 586 retained).
Molecular consequence: synonymous variant. On other transcripts: non-coding transcript variant (1).
Genome position (GRCh38, 1-based): chr11:1,456,437, G>A. VCF-style: chr11-1456437-G-A. GRCh37 (hg19) VCF-style: chr11-1477667-G-A.
Other names: c.1758G>A, p.Pro586= (NM_001256629.2, NM_003957.4); c.1896G>A, p.Pro632= (NM_001256630.1); c.1578G>A, p.Pro526= (NM_001282218.2).
Identifiers: ClinVar variation 3035082 (VCV003035082.2), dbSNP rs370973176, ClinGen allele CA5811207.
Genomic context (GRCh38, chr11:1,456,437, plus strand): 5'-CCAAACGAGCTTCCGGGCCGAGTACAAGGCCACGGGGGGGCCAGCCGTGTTCCAGAAGCC[G>A]GTCAAGTTCCAGGTTGATATCACCTACACGGAGGGTGGGGAGGCGCAGAAGGAGAACGGC-3'
Protein context (NP_001243556.1, residues 576-596): ATGGPAVFQK[Pro586=]VKFQVDITYT